The following is an entry in ClinVar:

ClinVar aggregate classification (germline): Conflicting classifications of pathogenicity. Review status: criteria provided, conflicting classifications (1 of 4 stars). 2 submissions from 2 submitters: Uncertain significance (1); Benign (1). Last evaluated 2025-09-24.

Conditions:
NOTCH1-related disorder. Also called: NOTCH1-related disorders; NOTCH1-related condition.
Adams-Oliver syndrome 5 (AOS5). Identifiers: Orphanet 974, MedGen C4014970, MONDO:0014459, OMIM 616028.

Allele frequency attached by ClinVar (database versions not stated): gnomAD 0.00001; gnomAD exomes 0.00001; ExAC 0.00002.
gnomAD v4.1: 14 of 1,613,114 alleles (0.00087%); highest among the groups gnomAD compares: Admixed American, 0.005%; no homozygotes.

Submissions (2):

Labcorp Genetics (formerly Invitae), Labcorp
Classification: Benign for Adams-Oliver syndrome 5. Last evaluated: 2025-09-24. Review status: criteria provided, single submitter. Criteria: Invitae Variant Classification Sherloc (09022015). Collection method: clinical testing. Allele origin: germline.

PreventionGenetics, part of Exact Sciences
Classification: Uncertain significance for NOTCH1-related condition. Last evaluated: 2023-01-23. Review status: criteria provided, single submitter. Criteria: ACMG Guidelines, 2015. Collection method: clinical testing. Allele origin: germline.
Comment: The NOTCH1 c.6061G>A variant is predicted to result in the amino acid substitution p.Val2021Ile. To our knowledge, this variant has not been reported in the literature. This variant is reported in 0.0033% of alleles in individuals of South Asian descent in gnomAD. At this time, the clinical significance of this variant is uncertain due to the absence of conclusive functional and genetic evidence.

NM_017617.5(NOTCH1):c.6061G>A (p.Val2021Ile)

Genes: NOTCH1 (notch receptor 1; minus strand), LOC126860794 (BRD4-independent group 4 enhancer GRCh37_chr9:139392592-139393791; plus strand). Cytogenetic location: 9q34.3.
Variant type: single nucleotide variant.
Coding change: c.6061G>A on transcript NM_017617.5 (MANE Select); coding-DNA position 6061, G replaced by A.
Protein change: p.Val2021Ile; replaces valine 2021 with isoleucine.
Molecular consequence: missense variant.
Genome position (GRCh38, 1-based): chr9:136,499,133, C>T on the plus strand (G>A on the coding strand, the complement: NOTCH1 is on the minus strand). VCF-style: chr9-136499133-C-T. GRCh37 (hg19) VCF-style: chr9-139393585-C-T.
Other names: c.6061G>A, p.Val2021Ile (LRG_1122t1); c.6061G>A (NM_017617.4); short protein forms V2021I.
Identifiers: ClinVar variation 650885 (VCV000650885.10), dbSNP rs759643831, ClinGen allele CA5340051.